The following is an entry in ClinVar:

ClinVar aggregate classification (germline): Pathogenic (1 of 4 stars; one submission).

Submission:

Labcorp Genetics (formerly Invitae), Labcorp
Classification: Pathogenic. Last evaluated: 2023-09-22. Review status: criteria provided, single submitter. Criteria: Invitae Variant Classification Sherloc (09022015). Collection method: clinical testing. Allele origin: germline.
Comment: For these reasons, this variant has been classified as Pathogenic. Algorithms developed to predict the effect of sequence changes on RNA splicing suggest that this variant may create or strengthen a splice site. This variant has not been reported in the literature in individuals affected with ARSG-related conditions. This variant is not present in population databases (gnomAD no frequency). This sequence change creates a premature translational stop signal (p.Tyr130*) in the ARSG gene. It is expected to result in an absent or disrupted protein product. Loss-of-function variants in ARSG are known to be pathogenic (PMID: 26975023, 34223797).

Literature cited by the submitters: PubMed 26975023; PubMed 34223797.

NM_001267727.2(ARSG):c.390C>A (p.Tyr130Ter)

Gene: ARSG (arylsulfatase G; plus strand). Cytogenetic location: 17q24.2.
Variant type: single nucleotide variant.
Coding change: c.390C>A on transcript NM_001267727.2 (MANE Select); coding-DNA position 390, C replaced by A.
Protein change: p.Tyr130Ter; replaces tyrosine 130 with a stop codon.
Molecular consequence: nonsense.
Genome position (GRCh38, 1-based): chr17:68,343,775, C>A. VCF-style: chr17-68343775-C-A. GRCh37 (hg19) VCF-style: chr17-66339916-C-A.
Other names: c.390C>A, p.Tyr130Ter (NM_001352899.2, NM_001352900.2, NM_001352901.2 and 9 more transcripts); short protein forms Y130*.
Identifiers: ClinVar variation 2723864 (VCV002723864.3), dbSNP rs756406920, ClinGen allele CA400738693.